The following is an entry in ClinVar:

NM_001034853.2(RPGR):c.1105C>T (p.Arg369Cys)

Gene: RPGR (retinitis pigmentosa GTPase regulator; minus strand). Cytogenetic location: Xp11.4.
Variant type: single nucleotide variant.
Coding change: c.1105C>T on transcript NM_001034853.2 (MANE Select); coding-DNA position 1105, C replaced by T.
Protein change: p.Arg369Cys; replaces arginine 369 with cysteine.
Molecular consequence: missense variant. On other transcripts: non-coding transcript variant (6), intron variant (2).
Genome position (GRCh38, 1-based): chrX:38,299,096, G>A on the plus strand (C>T on the coding strand, the complement: RPGR is on the minus strand). VCF-style: chrX-38299096-G-A. GRCh37 (hg19) VCF-style: chrX-38158349-G-A.
Other names: NM_001034853.2(RPGR):c.1105C>T; p.Arg369Cys; c.1060-1644C>T (NM_001367251.1, NM_001367246.1); c.1105C>T, p.Arg369Cys (NM_000328.3, NM_001367247.1); c.1102C>T, p.Arg368Cys (NM_001367245.1, NM_001367249.1, NM_001367250.1); c.1135C>T, p.Arg379Cys (NM_001367248.1); short protein forms R368C, R369C, R379C.
Identifiers: ClinVar variation 1169227 (VCV001169227.25), dbSNP rs768571911, ClinGen allele CA10385539.
Genomic context (GRCh38, chrX:38,299,096, plus strand): 5'-TCGCCACAGATAAGCAAGTATCATTTATTTCATCGAATTCAATTTCTTTTGCCACACCAC[G>A]ATGAGGAGCAGCAAAAACTACCATGTGACATCCACCACAAGCAACCTGCAGCATAAATCC-3'
Protein context (NP_001030025.1, residues 359-379): CHMVVFAAPH[Arg369Cys]GVAKEIEFDE

ClinVar aggregate classification (germline): Likely benign. Review status: reviewed by expert panel (3 of 4 stars). 4 submissions from 4 submitters: Likely benign (1). 3 of the submissions do not count toward it. Last evaluated 2026-01-25.

Conditions:
RPGR-related retinopathy. Also called: RPGR retinopathy. Identifiers: MedGen CN305589, MONDO:0100437.
Primary ciliary dyskinesia. Also called: Ciliary dyskinesia. Identifiers: Orphanet 244, MedGen C0008780, MONDO:0016575, HP:0012265.

gnomAD v4.1: 41 of 1,209,701 alleles (0.0034%); highest among the groups gnomAD compares: Admixed American, 0.013%; no homozygotes.

Submissions (4):

ClinGen X-linked Inherited Retinal Disease Variant Curation Expert Panel, ClinGen
Classification: Likely benign for RPGR-related retinopathy. Last evaluated: 2026-01-25. Review status: reviewed by expert panel. Criteria: ClinGen X LinkedIRD ACMG Specifications RPGR V1.0.0. Collection method: curation. Allele origin: germline. Inheritance: X-linked inheritance.
Comment: NM_001034853.2(RPGR):c.1105C>T (p.Arg369Cys) is a missense variant causing substitution of arginine by cysteine at amino acid 369. This variant is present in gnomAD v.4.1.0 at a frequency of 0.00003776 among hemizygous individuals, with 15 variant alleles / 397,273 total hemizygous alleles (12 European non-Finnish, 2 Admixed American, and 1 South Asian], which is higher than the ClinGen X-linked IRD VCEP BS1 threshold of >0.000005 (BS1). At least one proband harboring this variant exhibits a phenotype including diagnosis of retinitis pigmentosa with night blindness (0.5 pts), visual field constriction (0.5 pts), reduced best-corrected visual acuity in both eyes (0.5 pts), high myopia (1 pt), family history consistent with X-linked inheritance (2 pts), and reduced electroretinogram responses, which together are specific for RPGR-related retinopathy (4.5 points, PMID: 27768226, PP4). The variant has been reported to segregate with retinal dystrophy through at least 2 affected meioses from 1 family, however, the variant was reported in at least 1 additional unaffected family member meeting one of the BS2 requirements of a male with no functional vision impairment by age 30 years, so PP1 was not met (PMID: 27768226, BS2). The computational predictor REVEL gives a score of 0.182, which is below the ClinGen X-linked IRD VCEP threshold of ≥ 0.644 and does not predict a damaging effect on RPGR function. The splicing impact predictor SpliceAI gives delta scores of 0.26 for acceptor loss and 0.23 for donor loss, which are above the ClinGen X-linked IRD VCEP recommended threshold of ≥0.2 and predict a deleterious impact on splicing (PP3). In summary, this variant is classified as likely benign for RPGR-related retinopathy based on the ClinGen X-linked Inherited Retinal Disease Expert Panel Specifications to the ACMG/AMP Variant Interpretation Guidelines for RPGR Version 1.0.0; BS1, BS2, PP3, and PP4.

Labcorp Genetics (formerly Invitae), Labcorp
Classification: Benign for Primary ciliary dyskinesia. Last evaluated: 2025-12-06. Review status: criteria provided, single submitter. Criteria: Invitae Variant Classification Sherloc (09022015). Collection method: clinical testing. Allele origin: germline. Not counted in ClinVar's aggregate classification.

CeGaT Center for Human Genetics Tuebingen
Classification: Likely benign. Last evaluated: 2024-11-01. Review status: criteria provided, single submitter. Criteria: CeGaT Center For Human Genetics Tuebingen Variant Classification Criteria Version 2. Collection method: clinical testing. Allele origin: germline. Affected: yes. Observed: 1 variant allele. Not counted in ClinVar's aggregate classification.
Comment: RPGR: BP4, BS2

Blueprint Genetics
Classification: Likely benign. Last evaluated: 2021-12-27. Review status: criteria provided, single submitter. Criteria: ACMG Guidelines, 2015. Collection method: clinical testing. Allele origin: germline. Not counted in ClinVar's aggregate classification.